The following is an entry in ClinVar:

NM_004985.5(KRAS):c.563T>C (p.Met188Thr)

Gene: KRAS (KRAS proto-oncogene, GTPase; minus strand). Cytogenetic location: 12p12.1.
Variant type: single nucleotide variant.
Coding change: c.563T>C on transcript NM_004985.5 (MANE Select); coding-DNA position 563, T replaced by C.
Protein change: p.Met188Thr; replaces methionine 188 with threonine.
Molecular consequence: missense variant. On other transcripts: 3 prime UTR variant (2).
Genome position (GRCh38, 1-based): chr12:25,209,799, A>G on the plus strand (T>C on the coding strand, the complement: KRAS is on the minus strand). VCF-style: chr12-25209799-A-G. GRCh37 (hg19) VCF-style: chr12-25362733-A-G.
Other names: c.*117T>C (NM_001369786.1, NM_033360.4); c.563T>C, p.Met188Thr (NM_001369787.1); short protein forms M188T.
Identifiers: ClinVar variation 2086297 (VCV002086297.4), dbSNP rs2548909703, ClinGen allele CA384148283.

ClinVar aggregate classification (germline): Uncertain significance (1 of 4 stars; one submission).

Conditions:
RASopathy. Also called: rasopathies; Noonan spectrum disorder. Identifiers: Orphanet 536391, MedGen C5555857, MONDO:0021060.

Submission:

Labcorp Genetics (formerly Invitae), Labcorp
Classification: Uncertain significance for RASopathy. Last evaluated: 2022-01-26. Review status: criteria provided, single submitter. Criteria: Invitae Variant Classification Sherloc (09022015). Collection method: clinical testing. Allele origin: germline.
Comment: Algorithms developed to predict the effect of missense changes on protein structure and function are either unavailable or do not agree on the potential impact of this missense change (SIFT: "Deleterious"; PolyPhen-2: "Benign"; Align-GVGD: "Class C45"). In summary, the available evidence is currently insufficient to determine the role of this variant in disease. Therefore, it has been classified as a Variant of Uncertain Significance. This variant has not been reported in the literature in individuals affected with KRAS-related conditions. This variant is not present in population databases (gnomAD no frequency). This sequence change replaces methionine, which is neutral and non-polar, with threonine, which is neutral and polar, at codon 188 of the KRAS protein (p.Met188Thr).